The following is an entry in ClinVar:

ClinVar aggregate classification (germline): Likely pathogenic (1 of 4 stars; one submission).

Submission:

Labcorp Genetics (formerly Invitae), Labcorp
Classification: Likely pathogenic. Last evaluated: 2021-04-21. Review status: criteria provided, single submitter. Criteria: Invitae Variant Classification Sherloc (09022015). Collection method: clinical testing. Allele origin: germline.
Comment: In summary, the currently available evidence indicates that the variant is pathogenic, but additional data are needed to prove that conclusively. Therefore, this variant has been classified as Likely Pathogenic. This sequence change replaces proline with alanine at codon 399 of the SERPING1 protein (p.Pro399Ala). The proline residue is highly conserved and there is a small physicochemical difference between proline and alanine. This variant is not present in population databases (ExAC no frequency). This variant has not been reported in the literature in individuals with SERPING1-related conditions. Advanced modeling of protein sequence and biophysical properties (such as structural, functional, and spatial information, amino acid conservation, physicochemical variation, residue mobility, and thermodynamic stability) performed at Invitae indicates that this missense variant is expected to disrupt SERPING1 protein function. Algorithms developed to predict the effect of sequence changes on RNA splicing suggest that this variant may create or strengthen a splice site, but this prediction has not been confirmed by published transcriptional studies. This variant disrupts the p.Pro399 amino acid residue in SERPING1. Other variant(s) that disrupt this residue have been determined to be pathogenic (PMID: 15971231, 18758157). This suggests that this residue is clinically significant, and that variants that disrupt this residue are likely to be disease-causing.

Literature cited by the submitters: PubMed 15971231; PubMed 18758157.

NM_000062.3(SERPING1):c.1195C>G (p.Pro399Ala)

Gene: SERPING1 (serpin family G member 1; plus strand). Cytogenetic location: 11q12.1.
Variant type: single nucleotide variant.
Coding change: c.1195C>G on transcript NM_000062.3 (MANE Select); coding-DNA position 1195, C replaced by G.
Protein change: p.Pro399Ala; replaces proline 399 with alanine.
Molecular consequence: missense variant.
Genome position (GRCh38, 1-based): chr11:57,611,882, C>G. VCF-style: chr11-57611882-C-G. GRCh37 (hg19) VCF-style: chr11-57379355-C-G.
Other names: c.1195C>G, p.Pro399Ala (NM_001032295.2); short protein forms P399A.
Identifiers: ClinVar variation 1471299 (VCV001471299.8), dbSNP rs2135324767, ClinGen allele CA380703336.